The following is an entry in ClinVar:

NM_000174.5(GP9):c.-138-3C>G

Gene: GP9 (glycoprotein IX platelet; plus strand). Cytogenetic location: 3q21.3.
Variant type: single nucleotide variant.
Coding change: c.-138-3C>G on transcript NM_000174.5 (MANE Select); 3 bases into the intron before 138 bases upstream of the start codon, C replaced by G.
Molecular consequence: intron variant.
Genome position (GRCh38, 1-based): chr3:129,061,491, C>G. VCF-style: chr3-129061491-C-G. GRCh37 (hg19) VCF-style: chr3-128780334-C-G.
Identifiers: ClinVar variation 901794 (VCV000901794.5), dbSNP rs182464550, ClinGen allele CA82551846.

ClinVar aggregate classification (germline): Conflicting classifications of pathogenicity. Review status: criteria provided, conflicting classifications (1 of 4 stars). 2 submissions from 2 submitters: Uncertain significance (1); Likely benign (1). Last evaluated 2021-11-16.

Conditions:
Bernard Soulier syndrome (BSS). Also called: BLEEDING DISORDER, PLATELET-TYPE, 1; GLYCOPROTEIN Ib, PLATELET, DEFICIENCY OF; VON WILLEBRAND FACTOR RECEPTOR DEFICIENCY; PLATELET GLYCOPROTEIN Ib DEFICIENCY; Giant platelet syndrome; Hemorrhagiparous thrombocytic dystrophy. Identifiers: Orphanet 274, MedGen C0005129, MeSH D001606, MONDO:0009276, OMIM 231200.

Allele frequency attached by ClinVar (database versions not stated): TOPMed 0.00052; 1000 Genomes Project 0.00240; 1000 Genomes Project 30x 0.00219.
gnomAD v4.1: 190 of 594,034 alleles (0.032%); highest among the groups gnomAD compares: East Asian, 0.5%; 2 homozygotes.

Submissions (2):

Department of Pathology and Laboratory Medicine, Sinai Health System
Classification: Uncertain significance for Bernard-Soulier syndrome. Last evaluated: 2021-11-16. Review status: criteria provided, single submitter. Criteria: ACMG Guidelines, 2015. Collection method: research. Allele origin: germline.

Illumina Laboratory Services, Illumina
Classification: Likely benign for Bernard Soulier syndrome. Last evaluated: 2018-01-12. Review status: criteria provided, single submitter. Criteria: ICSL Variant Classification Criteria 13 December 2019. Collection method: clinical testing. Allele origin: germline.
Comment: This variant was observed in the ICSL laboratory as part of a predisposition screen in an ostensibly healthy population. It had not been previously curated by ICSL or reported in the Human Gene Mutation Database (HGMD: prior to June 1st, 2018), and was therefore a candidate for classification through an automated scoring system. Utilizing variant allele frequency, disease prevalence and penetrance estimates, and inheritance mode, an automated score was calculated to assess if this variant is too frequent to cause the disease. Based on the score and internal cut-off values, a variant classified as likely benign is not then subjected to further curation. The score for this variant resulted in a classification of likely benign for this disease.